The following is an entry in ClinVar:

NM_016592.5(GNAS):c.492C>T (p.His164=)

Genes: GNAS (GNAS complex locus; plus strand), GNAS-AS1 (GNAS antisense RNA 1; minus strand). Cytogenetic location: 20q13.32.
Variant type: single nucleotide variant.
Coding change: c.492C>T on transcript NM_016592.5 (MANE Plus Clinical); coding-DNA position 492, C replaced by T.
Protein change: p.His164=; no amino-acid change (histidine 164 retained).
Molecular consequence: synonymous variant. On other transcripts: 5 prime UTR variant (1).
Genome position (GRCh38, 1-based): chr20:58,840,598, C>T. VCF-style: chr20-58840598-C-T. GRCh37 (hg19) VCF-style: chr20-57415653-C-T.
Other names: c.-246C>T (NM_001410912.1).
Identifiers: ClinVar variation 4995608 (VCV004995608.1).

ClinVar aggregate classification (germline): Likely benign (1 of 4 stars; one submission).

Conditions:
GNAS-related disorder. Identifiers: MedGen CN380105.

gnomAD v4.1: 2 of 1,610,634 alleles (0.00012%); highest among the groups gnomAD compares: Non-Finnish European, 0.00017%; no homozygotes.

Submission:

PreventionGenetics, part of Exact Sciences
Classification: Likely benign for GNAS-related condition. Last evaluated: 2025-11-17. Review status: criteria provided, single submitter. Criteria: ACMG Guidelines, 2015. Collection method: clinical testing. Allele origin: germline.
Comment: This variant is classified as likely benign based on ACMG/AMP sequence variant interpretation guidelines (Richards et al. 2015 PMID: 25741868, with internal and published modifications).